The following is an entry in ClinVar:

ClinVar aggregate classification (germline): Uncertain significance (1 of 4 stars; one submission).

Conditions:
Bethlem myopathy 1A. Also called: Bethlem myopathy 1; MYOPATHY, BENIGN CONGENITAL, WITH CONTRACTURES; Bethlem Muscular Dystrophy. Identifiers: Orphanet 610, MedGen CN029274, MONDO:0024530, OMIM 158810.

Submission:

Labcorp Genetics (formerly Invitae), Labcorp
Classification: Uncertain significance for Bethlem myopathy 1A. Last evaluated: 2025-01-30. Review status: criteria provided, single submitter. Criteria: Invitae Variant Classification Sherloc (09022015). Collection method: clinical testing. Allele origin: germline.
Comment: This sequence change replaces valine, which is neutral and non-polar, with alanine, which is neutral and non-polar, at codon 681 of the COL6A3 protein (p.Val681Ala). This variant is not present in population databases (gnomAD no frequency). This variant has not been reported in the literature in individuals affected with COL6A3-related conditions. Invitae Evidence Modeling of protein sequence and biophysical properties (such as structural, functional, and spatial information, amino acid conservation, physicochemical variation, residue mobility, and thermodynamic stability) indicates that this missense variant is not expected to disrupt COL6A3 protein function with a negative predictive value of 95%. In summary, the available evidence is currently insufficient to determine the role of this variant in disease. Therefore, it has been classified as a Variant of Uncertain Significance.

NM_004369.4(COL6A3):c.2042T>C (p.Val681Ala)

Gene: COL6A3 (collagen type VI alpha 3 chain; minus strand). Cytogenetic location: 2q37.3.
Variant type: single nucleotide variant.
Coding change: c.2042T>C on transcript NM_004369.4 (MANE Select); coding-DNA position 2042, T replaced by C.
Protein change: p.Val681Ala; replaces valine 681 with alanine.
Molecular consequence: missense variant. On other transcripts: intron variant (1).
Genome position (GRCh38, 1-based): chr2:237,379,091, A>G on the plus strand (T>C on the coding strand, the complement: COL6A3 is on the minus strand). VCF-style: chr2-237379091-A-G. GRCh37 (hg19) VCF-style: chr2-238287734-A-G.
Other names: c.821T>C, p.Val274Ala (NM_057164.5); c.1424T>C, p.Val475Ala (NM_057165.5, NM_057167.4); c.677-1747T>C (NM_057166.5); short protein forms V274A, V475A, V681A.
Identifiers: ClinVar variation 3634142 (VCV003634142.2).